The following is an entry in ClinVar:

NM_001868.4(CPA1):c.499A>G (p.Ser167Gly)

Gene: CPA1 (carboxypeptidase A1; plus strand). Cytogenetic location: 7q32.2.
Variant type: single nucleotide variant.
Coding change: c.499A>G on transcript NM_001868.4 (MANE Select); coding-DNA position 499, A replaced by G.
Protein change: p.Ser167Gly; replaces serine 167 with glycine.
Molecular consequence: missense variant.
Genome position (GRCh38, 1-based): chr7:130,383,406, A>G. VCF-style: chr7-130383406-A-G. GRCh37 (hg19) VCF-style: chr7-130023247-A-G.
Other names: short protein forms S167G.
Identifiers: ClinVar variation 1744633 (VCV001744633.2), dbSNP rs1796431495, ClinGen allele CA369282149.

ClinVar aggregate classification (germline): Uncertain significance (1 of 4 stars; one submission).

Conditions:
Hereditary pancreatitis (PCTT). Also called: Hereditary chronic pancreatitis; PRSS1-Related Hereditary Pancreatitis. Identifiers: Orphanet 676, MedGen C0238339, MONDO:0008185, OMIM 167800.

Allele frequency attached by ClinVar (database versions not stated): gnomAD 0.00001.
gnomAD v4.1: 1 of 1,614,000 alleles (0.000062%); highest among the groups gnomAD compares: Admixed American, 0.0017%; no homozygotes.

Submission:

Ambry Genetics
Classification: Uncertain significance for Hereditary pancreatitis. Last evaluated: 2022-07-10. Review status: criteria provided, single submitter. Criteria: Ambry Variant Classification Scheme 2023. Collection method: clinical testing. Allele origin: germline.
Comment: The p.S167G variant (also known as c.499A>G), located in coding exon 5 of the CPA1 gene, results from an A to G substitution at nucleotide position 499. The serine at codon 167 is replaced by glycine, an amino acid with similar properties. This amino acid position is conserved. In addition, this alteration is predicted to be tolerated by in silico analysis. Since supporting evidence is limited at this time, the clinical significance of this alteration remains unclear.